The following is an entry in ClinVar:

ClinVar aggregate classification (germline): Uncertain significance (1 of 4 stars; one submission).

Allele frequency attached by ClinVar (database versions not stated): gnomAD 0.00001.
gnomAD v4.1: 1 of 1,613,462 alleles (0.000062%); highest among the groups gnomAD compares: Admixed American, 0.0017%; no homozygotes.

Submission:

Labcorp Genetics (formerly Invitae), Labcorp
Classification: Uncertain significance. Last evaluated: 2024-04-29. Review status: criteria provided, single submitter. Criteria: Invitae Variant Classification Sherloc (09022015). Collection method: clinical testing. Allele origin: germline.
Comment: This sequence change replaces tyrosine, which is neutral and polar, with cysteine, which is neutral and slightly polar, at codon 98 of the ABCD3 protein (p.Tyr98Cys). This variant is not present in population databases (gnomAD no frequency). This variant has not been reported in the literature in individuals affected with ABCD3-related conditions. An algorithm developed to predict the effect of missense changes on protein structure and function (PolyPhen-2) suggests that this variant is likely to be disruptive. In summary, the available evidence is currently insufficient to determine the role of this variant in disease. Therefore, it has been classified as a Variant of Uncertain Significance.

NM_002858.4(ABCD3):c.293A>G (p.Tyr98Cys)

Gene: ABCD3 (ATP binding cassette subfamily D member 3; plus strand). Cytogenetic location: 1p21.3.
Variant type: single nucleotide variant.
Coding change: c.293A>G on transcript NM_002858.4 (MANE Select); coding-DNA position 293, A replaced by G.
Protein change: p.Tyr98Cys; replaces tyrosine 98 with cysteine.
Molecular consequence: missense variant.
Genome position (GRCh38, 1-based): chr1:94,467,965, A>G. VCF-style: chr1-94467965-A-G. GRCh37 (hg19) VCF-style: chr1-94933521-A-G.
Other names: c.293A>G, p.Tyr98Cys (NM_001122674.2); short protein forms Y98C.
Identifiers: ClinVar variation 2860735 (VCV002860735.3), dbSNP rs11558249, ClinGen allele CA26872262.